The following is an entry in ClinVar:

ClinVar aggregate classification (germline): Uncertain significance (1 of 4 stars; one submission).

Conditions:
Hereditary hyperekplexia. Identifiers: Orphanet 3197, MedGen C4084968, MONDO:0021022.

Allele frequency attached by ClinVar (database versions not stated): gnomAD exomes below 0.00001; gnomAD 0.00001; TOPMed 0.00001; ESP Exome Variant Server 0.00008.
gnomAD v4.1: 7 of 1,611,416 alleles (0.00043%); highest among the groups gnomAD compares: Non-Finnish European, 0.00059%; no homozygotes.

Submission:

Labcorp Genetics (formerly Invitae), Labcorp
Classification: Uncertain significance for Hereditary hyperekplexia. Last evaluated: 2025-07-21. Review status: criteria provided, single submitter. Criteria: Invitae Variant Classification Sherloc (09022015). Collection method: clinical testing. Allele origin: germline.
Comment: This sequence change replaces threonine, which is neutral and polar, with isoleucine, which is neutral and non-polar, at codon 179 of the GLRA1 protein (p.Thr179Ile). This variant is present in population databases (rs372452903, gnomAD 0.002%). This variant has not been reported in the literature in individuals affected with GLRA1-related conditions. ClinVar contains an entry for this variant (Variation ID: 464190). Invitae Evidence Modeling of protein sequence and biophysical properties (such as structural, functional, and spatial information, amino acid conservation, physicochemical variation, residue mobility, and thermodynamic stability) indicates that this missense variant is not expected to disrupt GLRA1 protein function with a negative predictive value of 80%. In summary, the available evidence is currently insufficient to determine the role of this variant in disease. Therefore, it has been classified as a Variant of Uncertain Significance.

NM_000171.4(GLRA1):c.536C>T (p.Thr179Ile)

Gene: GLRA1 (glycine receptor alpha 1; minus strand). Cytogenetic location: 5q33.1.
Variant type: single nucleotide variant.
Coding change: c.536C>T on transcript NM_000171.4 (MANE Select); coding-DNA position 536, C replaced by T.
Protein change: p.Thr179Ile; replaces threonine 179 with isoleucine.
Molecular consequence: missense variant.
Genome position (GRCh38, 1-based): chr5:151,856,324, G>A on the plus strand (C>T on the coding strand, the complement: GLRA1 is on the minus strand). VCF-style: chr5-151856324-G-A. GRCh37 (hg19) VCF-style: chr5-151235885-G-A.
Other names: c.536C>T, p.Thr179Ile (NM_001146040.2); c.287C>T, p.Thr96Ile (NM_001292000.2); short protein forms T179I, T96I.
Identifiers: ClinVar variation 464190 (VCV000464190.11), dbSNP rs372452903, ClinGen allele CA129989291.